The following is an entry in ClinVar:

NM_024685.4(BBS10):c.155G>A (p.Gly52Asp)

Gene: BBS10 (Bardet-Biedl syndrome 10; minus strand). Cytogenetic location: 12q21.2.
Variant type: single nucleotide variant.
Coding change: c.155G>A on transcript NM_024685.4 (MANE Select); coding-DNA position 155, G replaced by A.
Protein change: p.Gly52Asp; replaces glycine 52 with aspartic acid.
Molecular consequence: missense variant.
Genome position (GRCh38, 1-based): chr12:76,348,204, C>T on the plus strand (G>A on the coding strand, the complement: BBS10 is on the minus strand). VCF-style: chr12-76348204-C-T. GRCh37 (hg19) VCF-style: chr12-76741984-C-T.
Other names: short protein forms G52D.
Identifiers: ClinVar variation 1985188 (VCV001985188.2), dbSNP rs372847207, ClinGen allele CA239332849.
Genomic context (GRCh38, chr12:76,348,204, plus strand): 5'-CGTGTGGGACGCGGGTACCTGGCTATGGGATGCTCTAAGTGTAGCGCCTCCAGGAGGCGG[C>T]CTCCATTCCGGCTGAGAAGCACCTCGCCAGTGGGCTTCGTACACAAAACTTGCCGTCCCT-3'
Protein context (NP_078961.3, residues 42-62): TGEVLLSRNG[Gly52Asp]RLLEALHLEH

ClinVar aggregate classification (germline): Uncertain significance (1 of 4 stars; one submission).

Conditions:
Bardet-Biedl syndrome (BBS). Identifiers: Orphanet 110, MedGen C0752166, MONDO:0015229.

Allele frequency attached by ClinVar (database versions not stated): gnomAD exomes 0.00001; gnomAD 0.00003; TOPMed 0.00006; ESP Exome Variant Server 0.00008.

Submission:

Labcorp Genetics (formerly Invitae), Labcorp
Classification: Uncertain significance for Bardet-Biedl syndrome. Last evaluated: 2025-07-31. Review status: criteria provided, single submitter. Criteria: Invitae Variant Classification Sherloc (09022015). Collection method: clinical testing. Allele origin: germline.
Comment: This sequence change replaces glycine, which is neutral and non-polar, with aspartic acid, which is acidic and polar, at codon 52 of the BBS10 protein (p.Gly52Asp). This variant is present in population databases (rs372847207, gnomAD 0.01%). This missense change has been observed in individual(s) with retinitis pigmentosa (PMID: 31963381). ClinVar contains an entry for this variant (Variation ID: 1985188). Invitae Evidence Modeling of protein sequence and biophysical properties (such as structural, functional, and spatial information, amino acid conservation, physicochemical variation, residue mobility, and thermodynamic stability) indicates that this missense variant is expected to disrupt BBS10 protein function with a positive predictive value of 80%. Experimental studies are conflicting or provide insufficient evidence to determine the effect of this variant on BBS10 function (PMID: 20080638). In summary, the available evidence is currently insufficient to determine the role of this variant in disease. Therefore, it has been classified as a Variant of Uncertain Significance.

Literature cited by the submitters: PubMed 31963381; PubMed 20080638.